The following is an entry in ClinVar:

ClinVar aggregate classification (germline): Uncertain significance (1 of 4 stars; one submission).

Submission:

Ambry Genetics
Classification: Uncertain significance. Last evaluated: 2025-02-23. Review status: criteria provided, single submitter. Criteria: Ambry Variant Classification Scheme 2023. Collection method: clinical testing. Allele origin: germline.
Comment: The p.E157Q variant (also known as c.469G>C), located in coding exon 1 of the CDK12 gene, results from a G to C substitution at nucleotide position 469. The glutamic acid at codon 157 is replaced by glutamine, an amino acid with highly similar properties. This amino acid position is conserved. In addition, this alteration is predicted to be tolerated by in silico analysis. Based on the available evidence, the clinical significance of this variant remains unclear.

NM_016507.4(CDK12):c.469G>C (p.Glu157Gln)

Genes: CDK12 (cyclin dependent kinase 12; plus strand), LOC126862553 (CDK7 strongly-dependent group 2 enhancer GRCh37_chr17:37618166-37619365; plus strand). Cytogenetic location: 17q12.
Variant type: single nucleotide variant.
Coding change: c.469G>C on transcript NM_016507.4 (MANE Select); coding-DNA position 469, G replaced by C.
Protein change: p.Glu157Gln; replaces glutamic acid 157 with glutamine.
Molecular consequence: missense variant.
Genome position (GRCh38, 1-based): chr17:39,462,540, G>C. VCF-style: chr17-39462540-G-C. GRCh37 (hg19) VCF-style: chr17-37618793-G-C.
Other names: c.469G>C, p.Glu157Gln (NM_015083.4); short protein forms E157Q.
Identifiers: ClinVar variation 3830708 (VCV003830708.1).
Genomic context (GRCh38, chr17:39,462,540, plus strand): 5'-TCCAGCAAGTCGGGATCGATGAAGGACCGGATATCGGGAAGTTCAAAGCGTTCGAATGAG[G>C]AGACTGATGACTATGGGAAGGCGCAGGTAGCCAAAAGCAGCAGCAAGGAATCCAGGTCAT-3'
Protein context (NP_057591.2, residues 147-167): ISGSSKRSNE[Glu157Gln]TDDYGKAQVA